The following is an entry in ClinVar:

NM_182931.3(KMT2E):c.958G>A (p.Asp320Asn)

Gene: KMT2E (lysine methyltransferase 2E (inactive); plus strand). Cytogenetic location: 7q22.3.
Variant type: single nucleotide variant.
Coding change: c.958G>A on transcript NM_182931.3 (MANE Select); coding-DNA position 958, G replaced by A.
Protein change: p.Asp320Asn; replaces aspartic acid 320 with asparagine.
Molecular consequence: missense variant.
Genome position (GRCh38, 1-based): chr7:105,077,152, G>A. VCF-style: chr7-105077152-G-A. GRCh37 (hg19) VCF-style: chr7-104717599-G-A.
Other names: c.958G>A, p.Asp320Asn (NM_001410908.1, NM_018682.4); short protein forms D320N.
Identifiers: ClinVar variation 1978332 (VCV001978332.21), dbSNP rs541275939, ClinGen allele CA4423881.
Genomic context (GRCh38, chr7:105,077,152, plus strand): 5'-GCACAAAGAATAGCTCTGAGATTAGGCAATGGAAATGACAAAAAAGAGATGAATAAATCC[G>A]ATTTGAATACCAACAATTTGCTCTTCAAACCTCCTGTAGAGGTAAATACATCATTTGTCC-3'
Protein context (NP_891847.1, residues 310-330): GNDKKEMNKS[Asp320Asn]LNTNNLLFKP

ClinVar aggregate classification (germline): Uncertain significance. Review status: criteria provided, multiple submitters, no conflicts (2 of 4 stars). 2 submissions from 2 submitters: Uncertain significance (2). Last evaluated 2025-09-23.

Allele frequency attached by ClinVar (database versions not stated): ExAC 0.00001.
gnomAD v4.1: 3 of 1,613,974 alleles (0.00019%); highest among the groups gnomAD compares: Admixed American, 0.0017%; no homozygotes.

Submissions (2):

Labcorp Genetics (formerly Invitae), Labcorp
Classification: Uncertain significance. Last evaluated: 2025-09-23. Review status: criteria provided, single submitter. Criteria: Invitae Variant Classification Sherloc (09022015). Collection method: clinical testing. Allele origin: germline.
Comment: This sequence change replaces aspartic acid, which is acidic and polar, with asparagine, which is neutral and polar, at codon 320 of the KMT2E protein (p.Asp320Asn). This variant is present in population databases (rs541275939, gnomAD 0.003%). This variant has not been reported in the literature in individuals affected with KMT2E-related conditions. ClinVar contains an entry for this variant (Variation ID: 1978332). Invitae Evidence Modeling of protein sequence and biophysical properties (such as structural, functional, and spatial information, amino acid conservation, physicochemical variation, residue mobility, and thermodynamic stability) indicates that this missense variant is not expected to disrupt KMT2E protein function with a negative predictive value of 80%. In summary, the available evidence is currently insufficient to determine the role of this variant in disease. Therefore, it has been classified as a Variant of Uncertain Significance.

CeGaT Center for Human Genetics Tuebingen
Classification: Uncertain significance. Last evaluated: 2024-07-01. Review status: criteria provided, single submitter. Criteria: CeGaT Center For Human Genetics Tuebingen Variant Classification Criteria Version 2. Collection method: clinical testing. Allele origin: germline. Affected: yes. Observed: 1 variant allele.